The following is an entry in ClinVar:

NM_003673.4(TCAP):c.448G>C (p.Gly150Arg)

Gene: TCAP (titin-cap; plus strand). Cytogenetic location: 17q12.
Variant type: single nucleotide variant.
Coding change: c.448G>C on transcript NM_003673.4 (MANE Select); coding-DNA position 448, G replaced by C.
Protein change: p.Gly150Arg; replaces glycine 150 with arginine.
Molecular consequence: missense variant.
Genome position (GRCh38, 1-based): chr17:39,666,053, G>C. VCF-style: chr17-39666053-G-C. GRCh37 (hg19) VCF-style: chr17-37822306-G-C.
Other names: short protein forms G150R.
Identifiers: ClinVar variation 2135332 (VCV002135332.4), dbSNP rs762850913, ClinGen allele CA399305955.

ClinVar aggregate classification (germline): Uncertain significance (1 of 4 stars; one submission).

Conditions:
Hypertrophic cardiomyopathy 25 (CMH25). Also called: CARDIOMYOPATHY, FAMILIAL HYPERTROPHIC, 25. Identifiers: MedGen C4225408, MONDO:0011843, OMIM 607487.
Primary familial hypertrophic cardiomyopathy (HCM). Identifiers: Orphanet 99739, MedGen C0949658, MeSH D024741, MONDO:0024573. Inheritance: Various modes of inheritance.

Submission:

Labcorp Genetics (formerly Invitae), Labcorp
Classification: Uncertain significance for Hypertrophic cardiomyopathy 25; Primary familial hypertrophic cardiomyopathy. Last evaluated: 2022-05-08. Review status: criteria provided, single submitter. Criteria: Invitae Variant Classification Sherloc (09022015). Collection method: clinical testing. Allele origin: germline.
Comment: In summary, the available evidence is currently insufficient to determine the role of this variant in disease. Therefore, it has been classified as a Variant of Uncertain Significance. Algorithms developed to predict the effect of missense changes on protein structure and function are either unavailable or do not agree on the potential impact of this missense change (SIFT: "Deleterious"; PolyPhen-2: "Probably Damaging"; Align-GVGD: "Class C15"). This variant has not been reported in the literature in individuals affected with TCAP-related conditions. This variant is not present in population databases (gnomAD no frequency). This sequence change replaces glycine, which is neutral and non-polar, with arginine, which is basic and polar, at codon 150 of the TCAP protein (p.Gly150Arg).